The following is an entry in ClinVar:

NM_000455.5(STK11):c.627C>G (p.Thr209=)

Gene: STK11 (serine/threonine kinase 11; plus strand). Cytogenetic location: 19p13.3.
Variant type: single nucleotide variant.
Coding change: c.627C>G on transcript NM_000455.5 (MANE Select); coding-DNA position 627, C replaced by G.
Protein change: p.Thr209=; no amino-acid change (threonine 209 retained).
Molecular consequence: synonymous variant. On other transcripts: non-coding transcript variant (1).
Genome position (GRCh38, 1-based): chr19:1,220,610, C>G. VCF-style: chr19-1220610-C-G. GRCh37 (hg19) VCF-style: chr19-1220609-C-G.
Other names: c.627C>G, p.Thr209= (NM_001407255.1).
Identifiers: ClinVar variation 3904008 (VCV003904008.1).
Genomic context (GRCh38, chr19:1,220,610, plus strand): 5'-ACTCCCTGAGGGCTGCACGGCACCGCCACAGGCACTGCACCCGTTCGCGGCGGACGACAC[C>G]TGCCGGACCAGCCAGGGCTCCCCGGCTTTCCAGCCGCCCGAGATTGCCAACGGCCTGGAC-3'
Protein context (NP_000446.1, residues 199-219): EALHPFAADD[Thr209=]CRTSQGSPAF

ClinVar aggregate classification (germline): Benign (1 of 4 stars; one submission).

Conditions:
Peutz-Jeghers syndrome (PJS). Also called: POLYPOSIS, HAMARTOMATOUS INTESTINAL; POLYPS-AND-SPOTS SYNDROME; Peutz-Jeghers polyposis; Periorificial lentiginosis syndrome. Identifiers: Orphanet 2869, MedGen C0031269, MeSH D010580, MONDO:0008280, OMIM 175200.

Submission:

Myriad Genetics, Inc.
Classification: Benign for Peutz-Jeghers syndrome. Last evaluated: 2025-03-26. Review status: criteria provided, single submitter. Criteria: Myriad Autosomal Dominant, Autosomal Recessive and X-Linked Classification Criteria (2023). Collection method: clinical testing. Allele origin: unknown.
Comment: This variant is considered benign. This variant is a silent/synonymous amino acid change and it is not expected to impact splicing.